The following is an entry in ClinVar:

ClinVar aggregate classification (germline): Conflicting classifications of pathogenicity. Review status: criteria provided, conflicting classifications (1 of 4 stars). 2 submissions from 2 submitters: Uncertain significance (1); Likely benign (1). Last evaluated 2023-11-03.

Conditions:
Hereditary pancreatitis (PCTT). Also called: PRSS1-Related Hereditary Pancreatitis; Hereditary chronic pancreatitis. Identifiers: Orphanet 676, MedGen C0238339, MONDO:0008185, OMIM 167800.

Allele frequency attached by ClinVar (database versions not stated): gnomAD 0.00004; ESP Exome Variant Server 0.00023.
gnomAD v4.1: 17 of 1,613,996 alleles (0.0011%); highest among the groups gnomAD compares: Non-Finnish European, 0.0014%; no homozygotes.

Submissions (2):

Ambry Genetics
Classification: Likely benign for Hereditary pancreatitis. Last evaluated: 2023-11-03. Review status: criteria provided, single submitter. Criteria: Ambry Variant Classification Scheme 2023. Collection method: clinical testing. Allele origin: germline.

Labcorp Genetics (formerly Invitae), Labcorp
Classification: Uncertain significance for Hereditary pancreatitis. Last evaluated: 2020-02-18. Review status: criteria provided, single submitter. Criteria: Invitae Variant Classification Sherloc (09022015). Collection method: clinical testing. Allele origin: germline.
Comment: This sequence change replaces asparagine with lysine at codon 2 of the PRSS1 protein (p.Asn2Lys). The asparagine residue is weakly conserved and there is a moderate physicochemical difference between asparagine and lysine. This variant is present in population databases (rs140591237, ExAC 0.004%). This variant has not been reported in the literature in individuals with PRSS1-related conditions. Algorithms developed to predict the effect of missense changes on protein structure and function output the following: SIFT: "Tolerated"; PolyPhen-2: "Benign"; Align-GVGD: "Class C0". The lysine amino acid residue is found in multiple mammalian species, suggesting that this missense change does not adversely affect protein function. These predictions have not been confirmed by published functional studies and their clinical significance is uncertain. In summary, the available evidence is currently insufficient to determine the role of this variant in disease. Therefore, it has been classified as a Variant of Uncertain Significance.

NM_002769.5(PRSS1):c.6T>A (p.Asn2Lys)

Genes: PRSS1 (serine protease 1; plus strand), TRB (T cell receptor beta locus; plus strand). Cytogenetic location: 7q34.
Variant type: single nucleotide variant.
Coding change: c.6T>A on transcript NM_002769.5 (MANE Select); coding-DNA position 6, T replaced by A.
Protein change: p.Asn2Lys; replaces asparagine 2 with lysine.
Molecular consequence: missense variant.
Genome position (GRCh38, 1-based): chr7:142,749,490, T>A. VCF-style: chr7-142749490-T-A. GRCh37 (hg19) VCF-style: chr7-142457341-T-A.
Other names: c.6T>A (NM_002769.4); short protein forms N2K.
Identifiers: ClinVar variation 1039809 (VCV001039809.9), dbSNP rs140591237, ClinGen allele CA4529580.